The following is an entry in ClinVar:

ClinVar aggregate classification (germline): Benign/Likely benign. Review status: criteria provided, multiple submitters, no conflicts (2 of 4 stars). 7 submissions from 7 submitters: Benign (1); Likely benign (6). Last evaluated 2025-12-21.

Conditions:
Hereditary nonpolyposis colorectal neoplasms. Identifiers: MedGen C0009405, MeSH D003123.
Hereditary cancer-predisposing syndrome. Also called: Neoplastic Syndromes, Hereditary; Tumor predisposition; Hereditary Cancer Syndrome; Hereditary neoplastic syndrome. Identifiers: Orphanet 140162, MedGen C0027672, MeSH D009386, MONDO:0015356.
Lynch syndrome 4 (LYNCH4). Also called: Colorectal cancer, hereditary nonpolyposis, type 4; Hereditary non-polyposis colorectal cancer, type 4. Identifiers: Orphanet 144, MedGen C1838333, MONDO:0013699, OMIM 614337. Disease mechanism: loss of function.

Allele frequency attached by ClinVar (database versions not stated): gnomAD exomes below 0.00001; gnomAD 0.00002; TOPMed 0.00002.
gnomAD v4.1: 5 of 1,613,928 alleles (0.00031%); highest among the groups gnomAD compares: African/African-American, 0.0053%; no homozygotes.

Submissions (7):

Labcorp Genetics (formerly Invitae), Labcorp
Classification: Likely benign for Hereditary nonpolyposis colorectal neoplasms. Last evaluated: 2025-12-21. Review status: criteria provided, single submitter. Criteria: Invitae Variant Classification Sherloc (09022015). Collection method: clinical testing. Allele origin: germline.

Women's Health and Genetics/Laboratory Corporation of America, LabCorp
Classification: Likely benign. Last evaluated: 2025-09-04. Review status: criteria provided, single submitter. Criteria: LabCorp Variant Classification Summary - May 2015. Collection method: clinical testing. Allele origin: germline.

Quest Diagnostics Nichols Institute San Juan Capistrano
Classification: Likely benign. Last evaluated: 2025-08-06. Review status: criteria provided, single submitter. Criteria: Quest Diagnostics criteria. Collection method: clinical testing. Allele origin: unknown.

Myriad Genetics, Inc.
Classification: Benign for Lynch syndrome 4. Last evaluated: 2025-01-30. Review status: criteria provided, single submitter. Criteria: Myriad Autosomal Dominant, Autosomal Recessive and X-Linked Classification Criteria (2023). Collection method: clinical testing. Allele origin: unknown.
Comment: This variant is considered benign. This variant is a silent/synonymous amino acid change and it is not expected to impact splicing.

GeneDx
Classification: Likely benign. Last evaluated: 2018-01-03. Review status: criteria provided, single submitter. Criteria: GeneDx Variant Classification (06012015). Collection method: clinical testing. Allele origin: germline. Affected: yes.
Comment: This variant is considered likely benign or benign based on one or more of the following criteria: it is a conservative change, it occurs at a poorly conserved position in the protein, it is predicted to be benign by multiple in silico algorithms, and/or has population frequency not consistent with disease.

Color Diagnostics, LLC DBA Color Health
Classification: Likely benign for Hereditary cancer-predisposing syndrome. Last evaluated: 2016-10-11. Review status: criteria provided, single submitter. Criteria: ACMG Guidelines, 2015. Collection method: clinical testing. Allele origin: germline.

Ambry Genetics
Classification: Likely benign for Hereditary cancer-predisposing syndrome. Last evaluated: 2014-09-12. Review status: criteria provided, single submitter. Criteria: Ambry Variant Classification Scheme 2023. Collection method: clinical testing. Allele origin: germline.

NM_000535.7(PMS2):c.1539T>C (p.Ser513=)

Gene: PMS2 (PMS1 homolog 2, mismatch repair system component; minus strand). Cytogenetic location: 7p22.1.
Variant type: single nucleotide variant.
Coding change: c.1539T>C on transcript NM_000535.7 (MANE Select); coding-DNA position 1539, T replaced by C.
Protein change: p.Ser513=; no amino-acid change (serine 513 retained).
Molecular consequence: synonymous variant. On other transcripts: non-coding transcript variant (1).
Genome position (GRCh38, 1-based): chr7:5,987,226, A>G on the plus strand (T>C on the coding strand, the complement: PMS2 is on the minus strand). VCF-style: chr7-5987226-A-G. GRCh37 (hg19) VCF-style: chr7-6026857-A-G.
Other names: c.1134T>C, p.Ser378= (NM_001322003.2, NM_001322004.2, NM_001322005.2 and 1 more transcripts); c.1383T>C, p.Ser461= (NM_001322006.2); c.1221T>C, p.Ser407= (NM_001322007.2, NM_001322008.2); c.978T>C, p.Ser326= (NM_001322010.2); c.606T>C, p.Ser202= (NM_001322011.2, NM_001322012.2); c.966T>C, p.Ser322= (NM_001322013.2); c.1539T>C, p.Ser513= (NM_001322014.2); c.1230T>C, p.Ser410= (NM_001322015.2); and 1 more.
Identifiers: ClinVar variation 186435 (VCV000186435.21), dbSNP rs786202950, ClinGen allele CA009821.